The following is an entry in ClinVar:

ClinVar aggregate classification (germline): Likely pathogenic (0 of 4 stars; one submission).

Conditions:
QRICH2-related disorder. Also called: QRICH2-related condition.

Submission:

PreventionGenetics, part of Exact Sciences
Classification: Likely pathogenic for QRICH2-related condition. Last evaluated: 2024-05-22. Review status: no assertion criteria provided. Collection method: clinical testing. Allele origin: germline.
Comment: The QRICH2 c.4984+1G>A variant is predicted to disrupt the GT donor site and interfere with normal splicing. To our knowledge, this variant has not been reported in the literature. This variant is reported in 0.0057% of alleles in individuals of Latino descent in gnomAD. Variants that disrupt the consensus splice donor site in QRICH2 are expected to be pathogenic. This variant is interpreted as likely pathogenic.

NM_001388453.1(QRICH2):c.5482+1G>A

Gene: QRICH2 (glutamine rich 2; minus strand). Cytogenetic location: 17q25.1.
Variant type: single nucleotide variant.
Coding change: c.5482+1G>A on transcript NM_001388453.1 (MANE Select); the canonical splice donor site of the intron after coding-DNA position 5482, G replaced by A.
Molecular consequence: splice donor variant.
Genome position (GRCh38, 1-based): chr17:76,275,818, C>T on the plus strand (G>A on the coding strand, the complement: QRICH2 is on the minus strand). VCF-style: chr17-76275818-C-T. GRCh37 (hg19) VCF-style: chr17-74271899-C-T.
Other names: c.5482+1G>A (NM_032134.3).
Identifiers: ClinVar variation 3356262 (VCV003356262.1).